The following is an entry in ClinVar:

ClinVar aggregate classification (germline): Likely pathogenic. Review status: criteria provided, single submitter (1 of 4 stars). 2 submissions from 2 submitters: Likely pathogenic (1). 1 of the submissions does not count toward it. Last evaluated 2026-01-25.

Conditions:
DNAH8-related disorder. Also called: DNAH8-related condition.
Primary ciliary dyskinesia. Also called: Ciliary dyskinesia. Identifiers: Orphanet 244, MedGen C0008780, MONDO:0016575, HP:0012265.

Allele frequency attached by ClinVar (database versions not stated): ExAC 0.00001; gnomAD exomes 0.00008; gnomAD 0.00013; TOPMed 0.00016; 1000 Genomes Project 0.00020; ESP Exome Variant Server 0.00023; 1000 Genomes Project 30x 0.00031.
gnomAD v4.1: 182 of 1,568,144 alleles (0.012%); highest among the groups gnomAD compares: Non-Finnish European, 0.014%; no homozygotes.

Submissions (2):

Labcorp Genetics (formerly Invitae), Labcorp
Classification: Likely pathogenic for Primary ciliary dyskinesia. Last evaluated: 2026-01-25. Review status: criteria provided, single submitter. Criteria: Invitae Variant Classification Sherloc (09022015). Collection method: clinical testing. Allele origin: germline.
Comment: This sequence change affects a donor splice site in intron 62 of the DNAH8 gene. It is expected to disrupt RNA splicing. Variants that disrupt the donor or acceptor splice site typically lead to a loss of protein function (PMID: 16199547), and loss-of-function variants in DNAH8 are known to be pathogenic (PMID: 24307375, 32619401, 32681648). This variant is present in population databases (rs144711161, gnomAD 0.01%). This variant has not been reported in the literature in individuals affected with DNAH8-related conditions. ClinVar contains an entry for this variant (Variation ID: 238657). Algorithms developed to predict the effect of sequence changes on RNA splicing suggest that this variant may disrupt the consensus splice site. In summary, the currently available evidence indicates that the variant is pathogenic, but additional data are needed to prove that conclusively. Therefore, this variant has been classified as Likely Pathogenic.

PreventionGenetics, part of Exact Sciences
Classification: Likely pathogenic for DNAH8-related condition. Last evaluated: 2024-09-16. Review status: no assertion criteria provided. Collection method: clinical testing. Allele origin: germline. Not counted in ClinVar's aggregate classification.
Comment: The DNAH8 c.9194+1G>A variant is predicted to disrupt the GT donor site and interfere with normal splicing. To our knowledge, this variant has not been reported in literature. This variant is reported in 0.015% of alleles in individuals of European (Non-Finnish) descent in gnomAD. However, loss-of-function variants have been reported to be causative for DNAH8-related disorders (for example, Watson et al. 2014. PubMed ID: 24307375; Liu et al. 2020. PubMed ID: 32619401; Yang et al. 2020. PubMed ID: 32681648; Zhou et al. 2021. PubMed ID: 33611675). In ClinVar, the c.9194+1G>A variant is interpreted as likely pathogenic (ClinVar ID: 239924). Based on these observations, this variant is classified as likely pathogenic.

Literature cited by the submitters: PubMed 16199547 (cited by Labcorp Genetics (formerly Invitae), Labcorp); PubMed 24307375 (cited by Labcorp Genetics (formerly Invitae), Labcorp); PubMed 32619401 (cited by Labcorp Genetics (formerly Invitae), Labcorp); PubMed 32681648 (cited by Labcorp Genetics (formerly Invitae), Labcorp).

NM_001206927.2(DNAH8):c.9194+1G>A

Gene: DNAH8 (dynein axonemal heavy chain 8; plus strand). Cytogenetic location: 6p21.2.
Variant type: single nucleotide variant.
Coding change: c.9194+1G>A on transcript NM_001206927.2 (MANE Select); the canonical splice donor site of the intron after coding-DNA position 9194, G replaced by A.
Molecular consequence: splice donor variant.
Genome position (GRCh38, 1-based): chr6:38,899,907, G>A. VCF-style: chr6-38899907-G-A. GRCh37 (hg19) VCF-style: chr6-38867683-G-A.
Other names: c.8543+1G>A (NM_001371.4).
Identifiers: ClinVar variation 238657 (VCV000238657.7), dbSNP rs144711161, ClinGen allele CA3790412.